The following is an entry in ClinVar:

ClinVar aggregate classification (germline): Pathogenic (1 of 4 stars; one submission).

Conditions:
Familial thoracic aortic aneurysm and aortic dissection (TAAD). Also called: Thoracic aortic aneurysms and dissections. Identifiers: Orphanet 91387, MedGen C4707243, MONDO:0019625.

Submission:

Ambry Genetics
Classification: Pathogenic for Familial thoracic aortic aneurysm and aortic dissection. Last evaluated: 2021-07-26. Review status: criteria provided, single submitter. Criteria: Ambry Variant Classification Scheme 2023. Collection method: clinical testing. Allele origin: germline.
Comment: The c.319delA pathogenic mutation, located in coding exon 3 of the FBN1 gene, results from a deletion of one nucleotide at nucleotide position 319, causing a translational frameshift with a predicted alternate stop codon (p.I107*). This alteration is expected to result in loss of function by premature protein truncation or nonsense-mediated mRNA decay. As such, this alteration is interpreted as a disease-causing mutation.

NM_000138.5(FBN1):c.319del (p.Gln106_Ile107insTer)

Gene: FBN1 (fibrillin 1; minus strand). Cytogenetic location: 15q21.1.
Variant type: Deletion.
Coding change: c.319del on transcript NM_000138.5 (MANE Select); coding-DNA position 319, one base deleted (A; older notation c.319delA).
Protein change: p.Gln106_Ile107insTer.
Molecular consequence: nonsense. On other transcripts: frameshift variant (2).
Genome position (GRCh38, 1-based): chr15:48,610,755, T deleted on the plus strand (A on the coding strand, the reverse complement: FBN1 is on the minus strand). VCF-style (leftmost placement, unchanged base first): chr15-48610754-AT-A. GRCh37 (hg19) VCF-style: chr15-48902951-AT-A.
Other names: c.319delA, p.Ile107Terfs (NM_001406716.1, NM_001406717.1).
Identifiers: ClinVar variation 1728763 (VCV001728763.2), dbSNP rs2505775624, ClinGen allele CA2580089555.